The following is an entry in ClinVar:

NM_003801.4(GPAA1):c.1606A>C (p.Lys536Gln)

Gene: GPAA1 (glycosylphosphatidylinositol anchor attachment 1; plus strand). Cytogenetic location: 8q24.3.
Variant type: single nucleotide variant.
Coding change: c.1606A>C on transcript NM_003801.4 (MANE Select); coding-DNA position 1606, A replaced by C.
Protein change: p.Lys536Gln; replaces lysine 536 with glutamine.
Molecular consequence: missense variant.
Genome position (GRCh38, 1-based): chr8:144,085,727, A>C. VCF-style: chr8-144085727-A-C. GRCh37 (hg19) VCF-style: chr8-145140630-A-C.
Other names: short protein forms K536Q.
Identifiers: ClinVar variation 1717572 (VCV001717572.5), dbSNP rs2537318941, ClinGen allele CA372507271.
Genomic context (GRCh38, chr8:144,085,727, plus strand): 5'-ACCAACTTCTCACTGGGCTTCCTGCTGGCCACCACCATGGTGCCCACTGCTGCGCTTGCC[A>C]AGCCTCATGGGCCCCGGTATGTATGGATCAGCCCCACTTCCCCCAATGCCTGTGCCCTCA-3'
Protein context (NP_003792.1, residues 526-546): TTMVPTAALA[Lys536Gln]PHGPRTLYAA

ClinVar aggregate classification (germline): Uncertain significance (1 of 4 stars; one submission).

gnomAD v4.1: 1 of 1,612,874 alleles (0.000062%); highest among the groups gnomAD compares: East Asian, 0.0022%; no homozygotes.

Submission:

Labcorp Genetics (formerly Invitae), Labcorp
Classification: Uncertain significance. Last evaluated: 2022-07-17. Review status: criteria provided, single submitter. Criteria: Invitae Variant Classification Sherloc (09022015). Collection method: clinical testing. Allele origin: germline.
Comment: This variant has not been reported in the literature in individuals affected with GPAA1-related conditions. Algorithms developed to predict the effect of missense changes on protein structure and function output the following: SIFT: "Tolerated"; PolyPhen-2: "Benign"; Align-GVGD: "Class C0". The glutamine amino acid residue is found in multiple mammalian species, which suggests that this missense change does not adversely affect protein function. In summary, the available evidence is currently insufficient to determine the role of this variant in disease. Therefore, it has been classified as a Variant of Uncertain Significance. This variant is not present in population databases (gnomAD no frequency). This sequence change replaces lysine, which is basic and polar, with glutamine, which is neutral and polar, at codon 536 of the GPAA1 protein (p.Lys536Gln).